The following is an entry in ClinVar:

NM_000059.4(BRCA2):c.7008-1G>C

Gene: BRCA2 (BRCA2 DNA repair associated; plus strand). Cytogenetic location: 13q13.1.
Variant type: single nucleotide variant.
Coding change: c.7008-1G>C on transcript NM_000059.4 (MANE Select); the canonical splice acceptor site of the intron before coding-DNA position 7008, G replaced by C.
Molecular consequence: splice acceptor variant.
Genome position (GRCh38, 1-based): chr13:32,354,860, G>C. VCF-style: chr13-32354860-G-C. GRCh37 (hg19) VCF-style: chr13-32928997-G-C.
Other names: c.7008-1G>C (NM_001406720.1); c.6912-1G>C (NM_001406719.1); c.2076-1G>C (NM_001406721.1); c.591-1G>C (NM_001406722.1).
Identifiers: ClinVar variation 642510 (VCV000642510.10), dbSNP rs786204280, ClinGen allele CA387794065.

ClinVar aggregate classification (germline): Pathogenic. Review status: criteria provided, multiple submitters, no conflicts (2 of 4 stars). 2 submissions from 2 submitters: Pathogenic (2). Last evaluated 2025-07-02.

Conditions:
Hereditary breast ovarian cancer syndrome. Also called: Hereditary breast and ovarian cancer; Hereditary breast and ovarian cancer syndrome; Hereditary breast and ovarian cancer syndrome (HBOC); Hereditary breast and/or ovarian cancer syndrome; Breast and ovarian cancer; BRCA1- and BRCA2-Associated Hereditary Breast and Ovarian Cancer. Identifiers: Orphanet 145, MedGen C0677776, MeSH D061325, MONDO:0003582. Disease mechanism: loss of function.

Submissions (2):

GeneDx
Classification: Pathogenic. Last evaluated: 2025-07-02. Review status: criteria provided, single submitter. Criteria: GeneDx Variant Classification Process June 2021. Collection method: clinical testing. Allele origin: germline. Affected: yes.
Comment: Canonical splice site variant predicted to result in a null allele in a gene for which loss of function is a known mechanism of disease; Not observed at significant frequency in large population cohorts (gnomAD); Also known as 7236-1G>C; This variant is associated with the following publications: (PMID: 31563594, 37306523)

Labcorp Genetics (formerly Invitae), Labcorp
Classification: Pathogenic for Hereditary breast ovarian cancer syndrome. Last evaluated: 2024-07-01. Review status: criteria provided, single submitter. Criteria: Invitae Variant Classification Sherloc (09022015). Collection method: clinical testing. Allele origin: germline.
Comment: This sequence change affects an acceptor splice site in intron 13 of the BRCA2 gene. It is expected to disrupt RNA splicing. Variants that disrupt the donor or acceptor splice site typically lead to a loss of protein function (PMID: 16199547), and loss-of-function variants in BRCA2 are known to be pathogenic (PMID: 20104584). This variant is not present in population databases (gnomAD no frequency). Disruption of this splice site has been observed in individual(s) with personal and/or family history of breast or ovarian cancer (PMID: 25863477, 26833046, 29446198). ClinVar contains an entry for this variant (Variation ID: 642510). Studies have shown that disruption of this splice site alters mRNA splicing and is expected to lead to the loss of protein expression (PMID: 31191615). For these reasons, this variant has been classified as Pathogenic.

Literature cited by the submitters: PubMed 16199547 (cited by Labcorp Genetics (formerly Invitae), Labcorp); PubMed 20104584 (cited by Labcorp Genetics (formerly Invitae), Labcorp); PubMed 25863477 (cited by Labcorp Genetics (formerly Invitae), Labcorp); PubMed 26833046 (cited by Labcorp Genetics (formerly Invitae), Labcorp); PubMed 29446198 (cited by Labcorp Genetics (formerly Invitae), Labcorp); PubMed 31191615 (cited by Labcorp Genetics (formerly Invitae), Labcorp).